The following is an entry in ClinVar:

NM_004667.6(HERC2):c.987C>T (p.Ser329=)

Gene: HERC2 (HECT and RLD domain containing E3 ubiquitin protein ligase 2; minus strand). Cytogenetic location: 15q13.1.
Variant type: single nucleotide variant.
Coding change: c.987C>T on transcript NM_004667.6 (MANE Select); coding-DNA position 987, C replaced by T.
Protein change: p.Ser329=; no amino-acid change (serine 329 retained).
Molecular consequence: synonymous variant.
Genome position (GRCh38, 1-based): chr15:28,272,311, G>A on the plus strand (C>T on the coding strand, the complement: HERC2 is on the minus strand). VCF-style: chr15-28272311-G-A. GRCh37 (hg19) VCF-style: chr15-28517457-G-A.
Other names: c.987C>T (NM_004667.5).
Identifiers: ClinVar variation 2645087 (VCV002645087.25), dbSNP rs773073050, ClinGen allele CA267947279.

ClinVar aggregate classification (germline): Likely benign. Review status: criteria provided, single submitter (1 of 4 stars). 2 submissions from 2 submitters: Likely benign (1). 1 of the submissions does not count toward it. Last evaluated 2023-12-01.

Conditions:
HERC2-related disorder. Also called: HERC2-related condition.

Allele frequency attached by ClinVar (database versions not stated): gnomAD exomes 0.00003; TOPMed 0.00003; gnomAD 0.00005; ExAC 0.00016.
gnomAD v4.1: 47 of 1,611,584 alleles (0.0029%); highest among the groups gnomAD compares: African/African-American, 0.004%; no homozygotes.

Submissions (2):

CeGaT Center for Human Genetics Tuebingen
Classification: Likely benign. Last evaluated: 2023-12-01. Review status: criteria provided, single submitter. Criteria: CeGaT Center For Human Genetics Tuebingen Variant Classification Criteria Version 2. Collection method: clinical testing. Allele origin: germline. Affected: yes. Observed: 2 variant alleles.
Comment: HERC2: BP4, BP7

PreventionGenetics, part of Exact Sciences
Classification: Likely benign for HERC2-related condition. Last evaluated: 2019-03-12. Review status: no assertion criteria provided. Collection method: clinical testing. Allele origin: germline. Not counted in ClinVar's aggregate classification.
Comment: This variant is classified as likely benign based on ACMG/AMP sequence variant interpretation guidelines (Richards et al. 2015 PMID: 25741868, with internal and published modifications).